The following is an entry in ClinVar:

ClinVar aggregate classification (germline): Conflicting classifications of pathogenicity. Review status: criteria provided, conflicting classifications (1 of 4 stars). 4 submissions from 4 submitters: Uncertain significance (2); Likely benign (2). Last evaluated 2025-05-19.

Conditions:
Ataxia-telangiectasia syndrome (AT). Also called: Ataxia-telangiectasia, complementation group E; LOUIS-BAR SYNDROME; Cerebello-oculocutaneous telangiectasia; Immunodeficiency with ataxia telangiectasia; Ataxia-telangiectasia, complementation group D; AT, COMPLEMENTATION GROUP C. Identifiers: Orphanet 100, MedGen C0004135, MONDO:0008840, OMIM 208900.
Familial cancer of breast. Also called: hereditary breast carcinoma; BREAST CANCER, FAMILIAL; Hereditary breast cancer. Identifiers: Orphanet 227535, MedGen C0346153, MONDO:0016419, OMIM 114480. Disease mechanism: loss of function.

Submissions (4):

Labcorp Genetics (formerly Invitae), Labcorp
Classification: Likely benign for Ataxia-telangiectasia syndrome. Last evaluated: 2025-05-19. Review status: criteria provided, single submitter. Criteria: Invitae Variant Classification Sherloc (09022015). Collection method: clinical testing. Allele origin: germline.

Quest Diagnostics Nichols Institute San Juan Capistrano
Classification: Uncertain significance. Last evaluated: 2025-01-07. Review status: criteria provided, single submitter. Criteria: Quest Diagnostics criteria. Collection method: clinical testing. Allele origin: unknown.

Myriad Genetics, Inc.
Classification: Likely benign for Familial cancer of breast. Last evaluated: 2024-05-14. Review status: criteria provided, single submitter. Criteria: Myriad Autosomal Dominant, Autosomal Recessive and X-Linked Classification Criteria (2023). Collection method: clinical testing. Allele origin: unknown.
Comment: This variant is considered likely benign. This variant is intronic and is not expected to impact mRNA splicing.

Department of Pathology and Laboratory Medicine, Sinai Health System
Classification: Uncertain significance for Familial cancer of breast. Last evaluated: 2019-10-02. Review status: criteria provided, single submitter. Criteria: ACMG Guidelines, 2015. Collection method: clinical testing. Allele origin: germline. Affected: yes.

NM_000051.4(ATM):c.3284+8dup

Gene: ATM (ATM serine/threonine kinase; plus strand). Cytogenetic location: 11q22.3.
Variant type: Duplication.
Coding change: c.3284+8dup on transcript NM_000051.4 (MANE Select); 8 bases into the intron after coding-DNA position 3284, one base duplicated (G; older notation c.3284+8dupG).
Molecular consequence: intron variant.
Genome position (GRCh38, 1-based): chr11:108,272,860, G duplicated; the last of 3 consecutive G bases (chr11:108,272,858-108,272,860); duplicating any one gives the same sequence. VCF-style (leftmost placement, unchanged base first): chr11-108272857-T-TG. GRCh37 (hg19) VCF-style: chr11-108143584-T-TG.
Other names: c.3284+8dup (NM_001351834.2, NM_000051.3).
Identifiers: ClinVar variation 302247 (VCV000302247.16), dbSNP rs886047611, ClinGen allele CA10629781.
Genomic context (GRCh38, chr11:108,272,857, plus strand): 5'-TTTCTTGCTGACAATCATCACCAAGTTCGCATGTTGGCTGCAGAGTCAATCAATAGGTAA[T>TG]GGGTCAAATATTCATGAAGTATTTGGAATGCTGCAGATGGCAGTAGAATGTCTTACATAG-3'